The following is an entry in ClinVar:

ClinVar aggregate classification (germline): Pathogenic/Likely pathogenic. Review status: criteria provided, multiple submitters, no conflicts (2 of 4 stars). 2 submissions from 2 submitters: Pathogenic (1); Likely pathogenic (1). Last evaluated 2022-02-18.

Conditions:
Colorectal cancer. Also called: Malignant Colorectal Neoplasm; Colorectal cancer, somatic. Identifiers: MedGen C0346629, MONDO:0005575, OMIM 114500.
Oligodontia-cancer predisposition syndrome. Also called: TOOTH AGENESIS-COLORECTAL CANCER SYNDROME. Identifiers: Orphanet 300576, MedGen C1837750, MONDO:0012075, OMIM 608615. Disease mechanism: loss of function.

Submissions (2):

Baylor Genetics
Classification: Likely pathogenic for Colorectal cancer. Last evaluated: 2022-02-18. Review status: criteria provided, single submitter. Criteria: ACMG Guidelines, 2015. Collection method: clinical testing. Allele origin: unknown.

Labcorp Genetics (formerly Invitae), Labcorp
Classification: Pathogenic for Oligodontia-cancer predisposition syndrome. Last evaluated: 2021-12-25. Review status: criteria provided, single submitter. Criteria: Invitae Variant Classification Sherloc (09022015). Collection method: clinical testing. Allele origin: germline.
Comment: This sequence change creates a premature translational stop signal (p.Gln396*) in the AXIN2 gene. It is expected to result in an absent or disrupted protein product. Loss-of-function variants in AXIN2 are known to be pathogenic (PMID: 15042511, 21416598). This variant is not present in population databases (gnomAD no frequency). This variant has not been reported in the literature in individuals affected with AXIN2-related conditions. For these reasons, this variant has been classified as Pathogenic.

Literature cited by the submitters: PubMed 15042511 (cited by Labcorp Genetics (formerly Invitae), Labcorp); PubMed 21416598 (cited by Labcorp Genetics (formerly Invitae), Labcorp).

NM_004655.4(AXIN2):c.1186C>T (p.Gln396Ter)

Gene: AXIN2 (axin 2; minus strand). Cytogenetic location: 17q24.1.
Variant type: single nucleotide variant.
Coding change: c.1186C>T on transcript NM_004655.4 (MANE Select); coding-DNA position 1186, C replaced by T.
Protein change: p.Gln396Ter; replaces glutamine 396 with a stop codon.
Molecular consequence: nonsense.
Genome position (GRCh38, 1-based): chr17:65,538,217, G>A on the plus strand (C>T on the coding strand, the complement: AXIN2 is on the minus strand). VCF-style: chr17-65538217-G-A. GRCh37 (hg19) VCF-style: chr17-63534335-G-A.
Other names: c.1186C>T, p.Gln396Ter (NM_001363813.1); short protein forms Q396*.
Identifiers: ClinVar variation 2059267 (VCV002059267.5), dbSNP rs759917468, ClinGen allele CA400678162.